The following is an entry in ClinVar:

ClinVar aggregate classification (germline): Uncertain significance (1 of 4 stars; one submission).

Submission:

GeneDx
Classification: Uncertain significance. Last evaluated: 2024-07-27. Review status: criteria provided, single submitter. Criteria: GeneDx Variant Classification Process June 2021. Collection method: clinical testing. Allele origin: germline. Affected: yes.
Comment: Not observed at significant frequency in large population cohorts (gnomAD); In silico analysis indicates that this missense variant does not alter protein structure/function; Has not been previously published as pathogenic or benign to our knowledge

NM_001372044.2(SHANK3):c.2950C>A (p.Pro984Thr)

Gene: SHANK3 (SH3 and multiple ankyrin repeat domains 3; plus strand). Cytogenetic location: 22q13.33.
Variant type: single nucleotide variant.
Coding change: c.2950C>A on transcript NM_001372044.2 (MANE Select); coding-DNA position 2950, C replaced by A.
Protein change: p.Pro984Thr; replaces proline 984 with threonine.
Molecular consequence: missense variant.
Genome position (GRCh38, 1-based): chr22:50,720,558, C>A. VCF-style: chr22-50720558-C-A. GRCh37 (hg19) VCF-style: chr22-51158986-C-A.
Other names: c.2725C>A (NM_033517.1); short protein forms P984T.
Identifiers: ClinVar variation 3602335 (VCV003602335.1).
Genomic context (GRCh38, chr22:50,720,558, plus strand): 5'-GCGCGCTCCATGATCATCCTGCAGGACTCGGCGCCCGAGTCGGGCGACGCCCCTCGACCC[C>A]CGCCCGCGGCCACCCCGCCCGAGCGACCCAAGCGCCGGCCGCGGCCGCCCGGCCCCGACA-3'
Protein context (NP_001358973.1, residues 974-994): APESGDAPRP[Pro984Thr]PAATPPERPK